The following is an entry in ClinVar:

NM_000492.4(CFTR):c.3883A>G (p.Ile1295Val)

Gene: CFTR (CF transmembrane conductance regulator; plus strand). Cytogenetic location: 7q31.2.
Variant type: single nucleotide variant.
Coding change: c.3883A>G on transcript NM_000492.4 (MANE Select); coding-DNA position 3883, A replaced by G.
Protein change: p.Ile1295Val; replaces isoleucine 1295 with valine.
Molecular consequence: missense variant.
Genome position (GRCh38, 1-based): chr7:117,652,851, A>G. VCF-style: chr7-117652851-A-G. GRCh37 (hg19) VCF-style: chr7-117292905-A-G.
Other names: short protein forms I1295V.
Identifiers: ClinVar variation 3231902 (VCV003231902.1), dbSNP rs2485171078, ClinGen allele CA368977931.

ClinVar aggregate classification (germline): Uncertain significance (1 of 4 stars; one submission).

Conditions:
Cystic fibrosis (CF). Also called: MUCOVISCIDOSIS. Identifiers: Orphanet 586, MedGen C0010674, MONDO:0009061, OMIM 219700. Disease mechanism: loss of function.

Submission:

Ambry Genetics
Classification: Uncertain significance for Cystic fibrosis. Last evaluated: 2024-01-21. Review status: criteria provided, single submitter. Criteria: Ambry Variant Classification Scheme 2023. Collection method: clinical testing. Allele origin: germline.
Comment: The p.I1295V variant (also known as c.3883A>G), located in coding exon 24 of the CFTR gene, results from an A to G substitution at nucleotide position 3883. The isoleucine at codon 1295 is replaced by valine, an amino acid with highly similar properties. This amino acid position is conserved. In addition, the in silico prediction for this alteration is inconclusive. Based on the available evidence, the clinical significance of this alteration remains unclear.